The following is an entry in ClinVar:

ClinVar aggregate classification (germline): Uncertain significance (1 of 4 stars; one submission).

Allele frequency attached by ClinVar (database versions not stated): gnomAD exomes below 0.00001; TOPMed below 0.00001.
gnomAD v4.1: 2 of 1,612,910 alleles (0.00012%); highest among the groups gnomAD compares: Non-Finnish European, 0.00017%; no homozygotes.

Submission:

Labcorp Genetics (formerly Invitae), Labcorp
Classification: Uncertain significance. Last evaluated: 2024-05-07. Review status: criteria provided, single submitter. Criteria: Invitae Variant Classification Sherloc (09022015). Collection method: clinical testing. Allele origin: germline.
Comment: This sequence change replaces glutamic acid, which is acidic and polar, with alanine, which is neutral and non-polar, at codon 577 of the MCM5 protein (p.Glu577Ala). This variant is not present in population databases (gnomAD no frequency). This variant has not been reported in the literature in individuals affected with MCM5-related conditions. ClinVar contains an entry for this variant (Variation ID: 1368081). Advanced modeling of protein sequence and biophysical properties (such as structural, functional, and spatial information, amino acid conservation, physicochemical variation, residue mobility, and thermodynamic stability) performed at Invitae indicates that this missense variant is not expected to disrupt MCM5 protein function with a negative predictive value of 80%. In summary, the available evidence is currently insufficient to determine the role of this variant in disease. Therefore, it has been classified as a Variant of Uncertain Significance.

NM_006739.4(MCM5):c.1730A>C (p.Glu577Ala)

Gene: MCM5 (minichromosome maintenance complex component 5; plus strand). Cytogenetic location: 22q12.3.
Variant type: single nucleotide variant.
Coding change: c.1730A>C on transcript NM_006739.4 (MANE Select); coding-DNA position 1730, A replaced by C.
Protein change: p.Glu577Ala; replaces glutamic acid 577 with alanine.
Molecular consequence: missense variant.
Genome position (GRCh38, 1-based): chr22:35,419,910, A>C. VCF-style: chr22-35419910-A-C. GRCh37 (hg19) VCF-style: chr22-35815903-A-C.
Other names: short protein forms E577A.
Identifiers: ClinVar variation 1368081 (VCV001368081.8), dbSNP rs1932650278, ClinGen allele CA411349388.